The following is an entry in ClinVar:

ClinVar aggregate classification (germline): Uncertain significance (1 of 4 stars; one submission).

Conditions:
Hereditary cancer-predisposing syndrome. Also called: Neoplastic Syndromes, Hereditary; Tumor predisposition; Hereditary neoplastic syndrome; Hereditary Cancer Syndrome. Identifiers: Orphanet 140162, MedGen C0027672, MeSH D009386, MONDO:0015356.
Cardiovascular phenotype. Identifiers: MedGen CN230736.

Submission:

Ambry Genetics
Classification: Uncertain significance for Cardiovascular phenotype; Hereditary cancer-predisposing syndrome. Last evaluated: 2024-02-23. Review status: criteria provided, single submitter. Criteria: Ambry Variant Classification Scheme 2023. Collection method: clinical testing. Allele origin: germline.
Comment: The p.L2316V variant (also known as c.6946C>G), located in coding exon 46 of the NF1 gene, results from a C to G substitution at nucleotide position 6946. The leucine at codon 2316 is replaced by valine, an amino acid with highly similar properties. This amino acid position is conserved. In addition, the in silico prediction for this alteration is inconclusive. Based on the available evidence, the clinical significance of this alteration remains unclear.

NM_001042492.3(NF1):c.7009C>G (p.Leu2337Val)

Gene: NF1 (neurofibromin 1; plus strand). Cytogenetic location: 17q11.2.
Variant type: single nucleotide variant.
Coding change: c.7009C>G on transcript NM_001042492.3 (MANE Select); coding-DNA position 7009, C replaced by G.
Protein change: p.Leu2337Val; replaces leucine 2337 with valine.
Molecular consequence: missense variant.
Genome position (GRCh38, 1-based): chr17:31,340,592, C>G. VCF-style: chr17-31340592-C-G. GRCh37 (hg19) VCF-style: chr17-29667610-C-G.
Other names: c.6946C>G, p.Leu2316Val (NM_000267.4); short protein forms L2316V, L2337V.
Identifiers: ClinVar variation 3237909 (VCV003237909.1), dbSNP rs367734104.